The following is an entry in ClinVar:

ClinVar aggregate classification (germline): Conflicting classifications of pathogenicity. Review status: criteria provided, conflicting classifications (1 of 4 stars). 4 submissions from 4 submitters: Uncertain significance (3); Likely benign (1). Last evaluated 2026-09-01.

Conditions:
Inborn genetic diseases. Identifiers: MedGen C0950123, MeSH D030342.

Allele frequency attached by ClinVar (database versions not stated): gnomAD exomes 0.00001; ExAC 0.00002; gnomAD 0.00003 and 0.00005; TOPMed 0.00007.
gnomAD v4.1: 20 of 1,197,425 alleles (0.0017%); highest among the groups gnomAD compares: Middle Eastern, 0.046%; no homozygotes.

Submissions (4):

CeGaT Center for Human Genetics Tuebingen
Classification: Likely benign. Last evaluated: 2026-09-01. Review status: criteria provided, single submitter. Criteria: CeGaT Center For Human Genetics Tuebingen Variant Classification Criteria Version 2. Collection method: clinical testing. Allele origin: germline. Affected: yes. Observed: 1 variant allele.
Comment: NLGN3: BS2

Ambry Genetics
Classification: Uncertain significance for Inborn genetic diseases. Last evaluated: 2021-07-15. Review status: criteria provided, single submitter. Criteria: Ambry Variant Classification Scheme 2023. Collection method: clinical testing. Allele origin: germline.

Center for Pediatric Genomic Medicine, Children's Mercy Hospital and Clinics
Classification: Uncertain significance. Last evaluated: 2017-08-01. Review status: criteria provided, single submitter. Criteria: ACMG Guidelines, 2015. Collection method: clinical testing. Allele origin: germline.

GeneDx
Classification: Uncertain significance. Last evaluated: 2015-11-23. Review status: criteria provided, single submitter. Criteria: GeneDx Variant Classification (06012015). Collection method: clinical testing. Allele origin: germline. Affected: yes.
Comment: The R765C variant in the NLGN3 gene has not been reported previously as a pathogenic variant, nor as a benign variant, to our knowledge. The R765C variant was not observed in approximately 6500 individuals of European and African American ancestry in the NHLBI Exome Sequencing Project, indicating it is not a common benign variant in these populations. The R765C variant is a non-conservative amino acid substitution, which is likely to impact secondary protein structure as these residues differ in polarity, charge, size and/or other properties. This substitution occurs at a position where amino acids with similar properties to Arginine are tolerated across species. In silico analysis predicts this variant is probably damaging to the protein structure/function. We interpret R765C as a variant of uncertain significance.

NM_181303.2(NLGN3):c.2353C>T (p.Arg785Cys)

Gene: NLGN3 (neuroligin 3; plus strand). Cytogenetic location: Xq13.1.
Variant type: single nucleotide variant.
Coding change: c.2353C>T on transcript NM_181303.2 (MANE Select); coding-DNA position 2353, C replaced by T.
Protein change: p.Arg785Cys; replaces arginine 785 with cysteine.
Molecular consequence: missense variant.
Genome position (GRCh38, 1-based): chrX:71,169,903, C>T. VCF-style: chrX-71169903-C-T. GRCh37 (hg19) VCF-style: chrX-70389753-C-T.
Other names: c.2233C>T, p.Arg745Cys (NM_001166660.2); c.1942C>T, p.Arg648Cys (NM_001321276.2); c.2293C>T, p.Arg765Cys (NM_018977.4); c.2293C>T (NM_018977.3); short protein forms R765C, R648C, R745C, R785C.
Identifiers: ClinVar variation 445427 (VCV000445427.6), dbSNP rs746346104, ClinGen allele CA10445232.